The following is an entry in ClinVar:

NM_001378452.1(ITPR1):c.1771G>C (p.Ala591Pro)

Gene: ITPR1 (inositol 1,4,5-trisphosphate receptor type 1; plus strand). Cytogenetic location: 3p26.1.
Variant type: single nucleotide variant.
Coding change: c.1771G>C on transcript NM_001378452.1 (MANE Select); coding-DNA position 1771, G replaced by C.
Protein change: p.Ala591Pro; replaces alanine 591 with proline.
Molecular consequence: missense variant.
Genome position (GRCh38, 1-based): chr3:4,667,434, G>C. VCF-style: chr3-4667434-G-C. GRCh37 (hg19) VCF-style: chr3-4709118-G-C.
Other names: c.1771G>C, p.Ala591Pro (NM_001099952.4); c.1726G>C, p.Ala576Pro (NM_001168272.2, NM_002222.7); short protein forms A576P, A591P.
Identifiers: ClinVar variation 5037572 (VCV005037572.1).
Genomic context (GRCh38, chr3:4,667,434, plus strand): 5'-AAGGAGTATATAGCCAAGCAGTTTGGCTTCATGCAGAAGCAGATTGGCTATGATGTGTTG[G>C]CTGAAGACACTATCACTGCCCTGCTCCACAATAATCGGAAACTCCTGGAAAAACACATTA-3'
Protein context (NP_001365381.1, residues 581-601): MQKQIGYDVL[Ala591Pro]EDTITALLHN

ClinVar aggregate classification (germline): Uncertain significance (1 of 4 stars; one submission).

Submission:

GeneDx
Classification: Uncertain significance. Last evaluated: 2026-04-22. Review status: criteria provided, single submitter. Criteria: GeneDx Variant Classification Process June 2021. Collection method: clinical testing. Allele origin: germline.
Comment: Not observed at significant frequency in large population cohorts (gnomAD); In silico analysis supports that this missense variant has a deleterious effect on protein structure/function; Has not been previously published as pathogenic or benign to our knowledge